The following is an entry in ClinVar:

NM_022828.5(YTHDC2):c.2460T>C (p.Asp820=)

Gene: YTHDC2 (YTH N6-methyladenosine RNA binding protein C2; plus strand). Cytogenetic location: 5q22.2.
Variant type: single nucleotide variant.
Coding change: c.2460T>C on transcript NM_022828.5 (MANE Select); coding-DNA position 2460, T replaced by C.
Protein change: p.Asp820=; no amino-acid change (aspartic acid 820 retained).
Molecular consequence: synonymous variant.
Genome position (GRCh38, 1-based): chr5:113,563,876, T>C. VCF-style: chr5-113563876-T-C. GRCh37 (hg19) VCF-style: chr5-112899573-T-C.
Other names: c.1974T>C, p.Asp658= (NM_001345975.2); c.1560T>C, p.Asp520= (NM_001345976.2).
Identifiers: ClinVar variation 3060912 (VCV003060912.2), dbSNP rs6867579, ClinGen allele CA3372179.
Genomic context (GRCh38, chr5:113,563,876, plus strand): 5'-CAGTTTGCTCACATCAAAGTCTGTTCTGTCTCCTTTTACTTAGACAATAGATGCAATGGA[T>C]ACATGGGAAGATCTGACTGAACTTGGGTATCATTTGGCTGACTTGCCAGTAGAACCACAT-3'
Protein context (NP_073739.3, residues 810-830): VQMLKTIDAM[Asp820=]TWEDLTELGY

ClinVar aggregate classification (germline): Benign (0 of 4 stars; one submission).

Conditions:
YTHDC2-related disorder. Also called: YTHDC2-related condition.

Allele frequency attached by ClinVar (database versions not stated): 1000 Genomes Project 30x 0.08963; 1000 Genomes Project 0.09365; TOPMed 0.11577; gnomAD 0.12435; ESP Exome Variant Server 0.13019; ExAC 0.13625; gnomAD exomes 0.16723.
gnomAD v4.1: 262,447 of 1,614,006 alleles (16%); highest among the groups gnomAD compares: Non-Finnish European, 18%; 23,073 homozygotes.

Submission:

PreventionGenetics, part of Exact Sciences
Classification: Benign for YTHDC2-related condition. Last evaluated: 2019-10-29. Review status: no assertion criteria provided. Collection method: clinical testing. Allele origin: germline.
Comment: This variant is classified as benign based on ACMG/AMP sequence variant interpretation guidelines (Richards et al. 2015 PMID: 25741868, with internal and published modifications).